The following is an entry in ClinVar:

ClinVar aggregate classification (germline): Conflicting classifications of pathogenicity. Review status: criteria provided, conflicting classifications (1 of 4 stars). 4 submissions from 4 submitters: Uncertain significance (3); Likely benign (1). Last evaluated 2026-05-27.

Conditions:
Hereditary cancer-predisposing syndrome. Also called: Tumor predisposition; Hereditary neoplastic syndrome; Neoplastic Syndromes, Hereditary; Hereditary Cancer Syndrome. Identifiers: Orphanet 140162, MedGen C0027672, MeSH D009386, MONDO:0015356.
Gastrointestinal stromal tumor. Also called: Gastrointestinal stroma tumor; Gastrointestinal stromal tumor, somatic. Identifiers: Orphanet 44890, MedGen C0238198, MeSH D046152, MONDO:0011719, OMIM 606764, HP:0100723.

Allele frequency attached by ClinVar (database versions not stated): gnomAD 0.00001; gnomAD exomes 0.00001 and 0.00002; ExAC 0.00002; TOPMed 0.00002.
gnomAD v4.1: 14 of 1,612,706 alleles (0.00087%); highest among the groups gnomAD compares: Admixed American, 0.0017%; no homozygotes.

Submissions (4):

Myriad Genetics, Inc.
Classification: Likely benign for Gastrointestinal stromal tumor. Last evaluated: 2026-05-27. Review status: criteria provided, single submitter. Criteria: Myriad Autosomal Dominant, Autosomal Recessive and X-Linked Classification Criteria (2023). Collection method: clinical testing. Allele origin: unknown.
Comment: This variant is considered likely benign. This variant has been observed at a population frequency that is significantly greater than expected given the associated disease prevalence and penetrance.

Labcorp Genetics (formerly Invitae), Labcorp
Classification: Uncertain significance for Gastrointestinal stromal tumor. Last evaluated: 2025-12-01. Review status: criteria provided, single submitter. Criteria: Invitae Variant Classification Sherloc (09022015). Collection method: clinical testing. Allele origin: germline.
Comment: This sequence change replaces alanine, which is neutral and non-polar, with threonine, which is neutral and polar, at codon 597 of the KIT protein (p.Ala597Thr). This variant is present in population databases (rs768214921, gnomAD 0.003%). This variant has not been reported in the literature in individuals affected with KIT-related conditions. ClinVar contains an entry for this variant (Variation ID: 458892). An algorithm developed to predict the effect of missense changes on protein structure and function (PolyPhen-2) suggests that this variant is likely to be disruptive. In summary, the available evidence is currently insufficient to determine the role of this variant in disease. Therefore, it has been classified as a Variant of Uncertain Significance.

Ambry Genetics
Classification: Uncertain significance for Hereditary cancer-predisposing syndrome. Last evaluated: 2024-01-13. Review status: criteria provided, single submitter. Criteria: Ambry Variant Classification Scheme 2023. Collection method: clinical testing. Allele origin: germline.
Comment: The p.A597T variant (also known as c.1789G>A), located in coding exon 12 of the KIT gene, results from a G to A substitution at nucleotide position 1789. The alanine at codon 597 is replaced by threonine, an amino acid with similar properties. This amino acid position is well conserved in available vertebrate species. In addition, the in silico prediction for this alteration is inconclusive. Since supporting evidence is limited at this time, the clinical significance of this alteration remains unclear.

Baylor Genetics
Classification: Uncertain significance for Gastrointestinal stromal tumor. Last evaluated: 2023-06-20. Review status: criteria provided, single submitter. Criteria: ACMG Guidelines, 2015. Collection method: clinical testing. Allele origin: unknown.

NM_000222.3(KIT):c.1789G>A (p.Ala597Thr)

Gene: KIT (KIT proto-oncogene, receptor tyrosine kinase; plus strand). Cytogenetic location: 4q12.
Variant type: single nucleotide variant.
Coding change: c.1789G>A on transcript NM_000222.3 (MANE Select); coding-DNA position 1789, G replaced by A.
Protein change: p.Ala597Thr; replaces alanine 597 with threonine.
Molecular consequence: missense variant.
Genome position (GRCh38, 1-based): chr4:54,727,837, G>A. VCF-style: chr4-54727837-G-A. GRCh37 (hg19) VCF-style: chr4-55594003-G-A.
Other names: c.1777G>A, p.Ala593Thr (NM_001093772.2, NM_001385286.1); c.1792G>A, p.Ala598Thr (NM_001385284.1, NM_001385290.1); c.1789G>A, p.Ala597Thr (NM_001385285.1); c.1780G>A, p.Ala594Thr (NM_001385288.1, NM_001385292.1); short protein forms A597T, A593T, A594T, A598T.
Identifiers: ClinVar variation 458892 (VCV000458892.16), dbSNP rs768214921, ClinGen allele CA2923581.